The following is an entry in ClinVar:

NM_002677.5(PMP2):c.353G>A (p.Cys118Tyr)

Gene: PMP2 (peripheral myelin protein 2; minus strand). Cytogenetic location: 8q21.13.
Variant type: single nucleotide variant.
Coding change: c.353G>A on transcript NM_002677.5 (MANE Select); coding-DNA position 353, G replaced by A.
Protein change: p.Cys118Tyr; replaces cysteine 118 with tyrosine.
Molecular consequence: missense variant.
Genome position (GRCh38, 1-based): chr8:81,443,444, C>T on the plus strand (G>A on the coding strand, the complement: PMP2 is on the minus strand). VCF-style: chr8-81443444-C-T. GRCh37 (hg19) VCF-style: chr8-82355679-C-T.
Other names: c.180G>A, p.Met60Ile (NM_001348381.2); short protein forms C118Y, M60I.
Identifiers: ClinVar variation 2991314 (VCV002991314.3), dbSNP rs202025915, ClinGen allele CA4791893.

ClinVar aggregate classification (germline): Uncertain significance (1 of 4 stars; one submission).

Allele frequency attached by ClinVar (database versions not stated): TOPMed below 0.00001; gnomAD 0.00001; 1000 Genomes Project 30x 0.00016; 1000 Genomes Project 0.00020.
gnomAD v4.1: 2 of 1,596,186 alleles (0.00013%); highest among the groups gnomAD compares: East Asian, 0.0045%; no homozygotes.

Submission:

Labcorp Genetics (formerly Invitae), Labcorp
Classification: Uncertain significance. Last evaluated: 2023-05-09. Review status: criteria provided, single submitter. Criteria: Invitae Variant Classification Sherloc (09022015). Collection method: clinical testing. Allele origin: germline.
Comment: In summary, the available evidence is currently insufficient to determine the role of this variant in disease. Therefore, it has been classified as a Variant of Uncertain Significance. Algorithms developed to predict the effect of missense changes on protein structure and function output the following: SIFT: "Not Available"; PolyPhen-2: "Benign"; Align-GVGD: "Not Available". The tyrosine amino acid residue is found in multiple mammalian species, which suggests that this missense change does not adversely affect protein function. This variant has not been reported in the literature in individuals affected with PMP2-related conditions. This variant is present in population databases (rs202025915, gnomAD 0.02%). This sequence change replaces cysteine, which is neutral and slightly polar, with tyrosine, which is neutral and polar, at codon 118 of the PMP2 protein (p.Cys118Tyr).